The following is an entry in ClinVar:

ClinVar aggregate classification (germline): Likely benign. Review status: criteria provided, multiple submitters, no conflicts (2 of 4 stars). 4 submissions from 4 submitters: Likely benign (4). Last evaluated 2025-12-17.

Conditions:
Malignant hyperthermia, susceptibility to, 1 (MHS1). Also called: Anesthesia related hyperthermia; Malignant hyperpyrexia; Fulminating hyperpyrexia; Pharmacogenic myopathy; RYR1-Related Malignant Hyperthermia Susceptibility; Malignant hyperthermia suceptibility 1. Identifiers: Orphanet 423, MedGen C2930980, MONDO:0007783, OMIM 145600.
RYR1-related disorder. Also called: RYR1-related condition; RYR1-related disorders. Identifiers: MedGen CN239331.

Allele frequency attached by ClinVar (database versions not stated): gnomAD 0.00001; TOPMed 0.00001.
gnomAD v4.1: 4 of 1,614,046 alleles (0.00025%); highest among the groups gnomAD compares: African/African-American, 0.0053%; no homozygotes.

Submissions (4):

Labcorp Genetics (formerly Invitae), Labcorp
Classification: Likely benign for RYR1-related disorder. Last evaluated: 2025-12-17. Review status: criteria provided, single submitter. Criteria: Invitae Variant Classification Sherloc (09022015). Collection method: clinical testing. Allele origin: germline.

All of Us Research Program, National Institutes of Health
Classification: Likely benign for Malignant hyperthermia, susceptibility to, 1. Last evaluated: 2024-01-11. Review status: criteria provided, single submitter. Criteria: ACMG Guidelines, 2015. Collection method: clinical testing. Allele origin: germline. Inheritance: Autosomal dominant inheritance. Observed: 2 variant alleles, 2 heterozygotes.
Comment: This study involves interpretation of variants in research participants for the purpose of population health screening. Participant phenotype was not available at the time of variant classification. Additional details can be found in publication PMID: 35346344, PMCID: PMC8962531

Women's Health and Genetics/Laboratory Corporation of America, LabCorp
Classification: Likely benign. Last evaluated: 2023-10-23. Review status: criteria provided, single submitter. Criteria: LabCorp Variant Classification Summary - May 2015. Collection method: clinical testing. Allele origin: germline.

Color Diagnostics, LLC DBA Color Health
Classification: Likely benign for Malignant hyperthermia, susceptibility to, 1. Last evaluated: 2022-11-06. Review status: criteria provided, single submitter. Criteria: ACMG Guidelines, 2015. Collection method: clinical testing. Allele origin: germline.

NM_000540.3(RYR1):c.6489C>A (p.Arg2163=)

Gene: RYR1 (ryanodine receptor 1; plus strand). Cytogenetic location: 19q13.2.
Variant type: single nucleotide variant.
Coding change: c.6489C>A on transcript NM_000540.3 (MANE Select); coding-DNA position 6489, C replaced by A.
Protein change: p.Arg2163=; no amino-acid change (arginine 2163 retained).
Molecular consequence: synonymous variant.
Genome position (GRCh38, 1-based): chr19:38,494,566, C>A. VCF-style: chr19-38494566-C-A. GRCh37 (hg19) VCF-style: chr19-38985206-C-A.
Other names: c.6489C>A, p.Arg2163= (NM_001042723.2).
Identifiers: ClinVar variation 2637859 (VCV002637859.6), dbSNP rs756043021, ClinGen allele CA507242432.